The following is an entry in ClinVar:

ClinVar aggregate classification (germline): Uncertain significance (1 of 4 stars; one submission).

Submission:

Labcorp Genetics (formerly Invitae), Labcorp
Classification: Uncertain significance. Last evaluated: 2023-07-22. Review status: criteria provided, single submitter. Criteria: Invitae Variant Classification Sherloc (09022015). Collection method: clinical testing. Allele origin: germline.
Comment: This variant has not been reported in the literature in individuals affected with ENPP1-related conditions. This sequence change replaces threonine, which is neutral and polar, with alanine, which is neutral and non-polar, at codon 256 of the ENPP1 protein (p.Thr256Ala). This variant is not present in population databases (gnomAD no frequency). Advanced modeling of protein sequence and biophysical properties (such as structural, functional, and spatial information, amino acid conservation, physicochemical variation, residue mobility, and thermodynamic stability) performed at Invitae indicates that this missense variant is expected to disrupt ENPP1 protein function. Experimental studies have shown that this missense change affects ENPP1 function (PMID: 19374858). In summary, the available evidence is currently insufficient to determine the role of this variant in disease. Therefore, it has been classified as a Variant of Uncertain Significance.

Literature cited by the submitters: PubMed 19374858.

NM_006208.3(ENPP1):c.766A>G (p.Thr256Ala)

Gene: ENPP1 (ectonucleotide pyrophosphatase/phosphodiesterase 1; plus strand). Cytogenetic location: 6q23.2.
Variant type: single nucleotide variant.
Coding change: c.766A>G on transcript NM_006208.3 (MANE Select); coding-DNA position 766, A replaced by G.
Protein change: p.Thr256Ala; replaces threonine 256 with alanine.
Molecular consequence: missense variant.
Genome position (GRCh38, 1-based): chr6:131,858,718, A>G. VCF-style: chr6-131858718-A-G. GRCh37 (hg19) VCF-style: chr6-132179858-A-G.
Other names: short protein forms T256A.
Identifiers: ClinVar variation 2797818 (VCV002797818.3), dbSNP rs2483474503, ClinGen allele CA365666221.